The following is an entry in ClinVar:

NM_004456.5(EZH2):c.1689G>A (p.Pro563=)

Gene: EZH2 (enhancer of zeste 2 polycomb repressive complex 2 subunit; minus strand). Cytogenetic location: 7q36.1.
Variant type: single nucleotide variant.
Coding change: c.1689G>A on transcript NM_004456.5 (MANE Select); coding-DNA position 1689, G replaced by A.
Protein change: p.Pro563=; no amino-acid change (proline 563 retained).
Molecular consequence: synonymous variant.
Genome position (GRCh38, 1-based): chr7:148,814,121, C>T on the plus strand (G>A on the coding strand, the complement: EZH2 is on the minus strand). VCF-style: chr7-148814121-C-T. GRCh37 (hg19) VCF-style: chr7-148511213-C-T.
Other names: c.1674G>A, p.Pro558= (NM_001203247.2); c.1647G>A, p.Pro549= (NM_001203248.2); c.1521G>A, p.Pro507= (NM_001203249.2); c.1557G>A, p.Pro519= (NM_152998.3).
Identifiers: ClinVar variation 4822543 (VCV004822543.4).

ClinVar aggregate classification (germline): Uncertain significance (1 of 4 stars; one submission).

gnomAD v4.1: 18 of 1,612,988 alleles (0.0011%); highest among the groups gnomAD compares: Admixed American, 0.0017%; no homozygotes.

Submission:

CeGaT Center for Human Genetics Tuebingen
Classification: Uncertain significance. Last evaluated: 2026-03-01. Review status: criteria provided, single submitter. Criteria: CeGaT Center For Human Genetics Tuebingen Variant Classification Criteria Version 2. Collection method: clinical testing. Allele origin: germline. Affected: yes. Observed: 1 variant allele.
Comment: EZH2: PP3